The following is an entry in ClinVar:

NM_004100.5(EYA4):c.88A>C (p.Met30Leu)

Gene: EYA4 (EYA transcriptional coactivator and phosphatase 4; plus strand). Cytogenetic location: 6q23.2.
Variant type: single nucleotide variant.
Coding change: c.88A>C on transcript NM_004100.5 (MANE Select); coding-DNA position 88, A replaced by C.
Protein change: p.Met30Leu; replaces methionine 30 with leucine.
Molecular consequence: missense variant.
Genome position (GRCh38, 1-based): chr6:133,446,634, A>C. VCF-style: chr6-133446634-A-C. GRCh37 (hg19) VCF-style: chr6-133767772-A-C.
Other names: c.88A>C, p.Met30Leu (NM_001301012.2, NM_001301013.2, NM_001370458.1 and 3 more transcripts); short protein forms M30L.
Identifiers: ClinVar variation 1362978 (VCV001362978.8), dbSNP rs1026869914, ClinGen allele CA365837908.

ClinVar aggregate classification (germline): Uncertain significance (1 of 4 stars; one submission).

Conditions:
Dilated cardiomyopathy 1J (CMD1J). Also called: CARDIOMYOPATHY, DILATED, WITH SENSORINEURAL HEARING LOSS, AUTOSOMAL DOMINANT. Identifiers: Orphanet 217622, MedGen C1854368, MONDO:0011541, OMIM 605362.

Submission:

Labcorp Genetics (formerly Invitae), Labcorp
Classification: Uncertain significance for Dilated cardiomyopathy 1J. Last evaluated: 2021-06-22. Review status: criteria provided, single submitter. Criteria: Invitae Variant Classification Sherloc (09022015). Collection method: clinical testing. Allele origin: germline.
Comment: In summary, the available evidence is currently insufficient to determine the role of this variant in disease. Therefore, it has been classified as a Variant of Uncertain Significance. Algorithms developed to predict the effect of missense changes on protein structure and function (SIFT, PolyPhen-2, Align-GVGD) all suggest that this variant is likely to be tolerated, but these predictions have not been confirmed by published functional studies and their clinical significance is uncertain. This variant has not been reported in the literature in individuals with EYA4-related conditions. This variant is not present in population databases (ExAC no frequency). This sequence change replaces methionine with leucine at codon 30 of the EYA4 protein (p.Met30Leu). The methionine residue is moderately conserved and there is a small physicochemical difference between methionine and leucine.